The following is an entry in ClinVar:

NM_001042492.3(NF1):c.6585_6586del (p.Glu2195fs)

Gene: NF1 (neurofibromin 1; plus strand). Cytogenetic location: 17q11.2.
Variant type: Microsatellite.
Coding change: c.6585_6586del on transcript NM_001042492.3 (MANE Select); coding-DNA positions 6585 to 6586, 2 bases deleted (GA; older notation c.6585_6586delGA).
Protein change: p.Glu2195fs; shifts the reading frame from glutamic acid 2195.
Molecular consequence: frameshift variant.
Genome position (GRCh38, 1-based): chr17:31,337,525-31,337,526, GA deleted; deleting any 2 consecutive bases within chr17:31,337,517-31,337,526 gives the same sequence; the c. name uses the placement nearest the transcript's 3' end. VCF-style (leftmost placement, unchanged base first): chr17-31337516-TGA-T. GRCh37 (hg19) VCF-style: chr17-29664534-TGA-T.
Other names: c.6522_6523delGA (NM_000267.3); c.6514_6515GA[4], p.Glu2174Aspfs (NM_000267.4); short protein forms E2174fs, E2195fs.
Identifiers: ClinVar variation 457797 (VCV000457797.18), dbSNP rs1131691084, ClinGen allele CA645596521.
Genomic context (GRCh38, chr17:31,337,516, plus strand): 5'-AGCTGCTGTCATTGCCTTCCGTTCCAGTTACCGGGACAGGTCATTCTCTCCTGGCTCCTA[TGA>T]GAGAGAGACTTTTGCTTTGACATCCTTGGAAACAGTCACAGAAGCTTTGTTGGAGATCAT-3'

ClinVar aggregate classification (germline): Pathogenic. Review status: criteria provided, multiple submitters, no conflicts (2 of 4 stars). 6 submissions from 6 submitters: Pathogenic (6). Last evaluated 2025-10-14.

Conditions:
Cardiovascular phenotype. Identifiers: MedGen CN230736.
Hereditary cancer-predisposing syndrome. Also called: Hereditary Cancer Syndrome; Hereditary neoplastic syndrome; Tumor predisposition; Neoplastic Syndromes, Hereditary. Identifiers: Orphanet 140162, MedGen C0027672, MeSH D009386, MONDO:0015356.
Neurofibromatosis, type 1 (NF1). Also called: VON RECKLINGHAUSEN DISEASE; NEUROFIBROMATOSIS, TYPE I, SOMATIC; Peripheral type neurofibromatosis; Neurofibromatosis, type I. Identifiers: Orphanet 636, MedGen C0027831, MONDO:0018975, OMIM 162200. Disease mechanism: loss of function.

Submissions (6):

Ambry Genetics
Classification: Pathogenic for Cardiovascular phenotype; Hereditary cancer-predisposing syndrome. Last evaluated: 2025-10-14. Review status: criteria provided, single submitter. Criteria: Ambry Variant Classification Scheme 2023. Collection method: clinical testing. Allele origin: germline.
Comment: The c.6522_6523delGA pathogenic mutation, located in coding exon 42 of the NF1 gene, results from a deletion of two nucleotides at nucleotide positions 6522 to 6523, causing a translational frameshift with a predicted alternate stop codon (p.E2174Dfs*46). This alteration has been identified in multiple individuals with a known or suspected diagnosis of neurofibromatosis type 1 (Hudson J et al. Hum. Mutat. 1997;9:366-7; Griffiths S et al. Fam. Cancer. 2007;6:21-34; Castellanos E et al. Clin. Genet. 2020 02;97:264-275; Kang E et al. J. Hum. Genet. 2020 Jan;65:79-89). This variant is considered to be rare based on population cohorts in the Genome Aggregation Database (gnomAD). This alteration is expected to result in loss of function by premature protein truncation or nonsense-mediated mRNA decay. As such, this alteration is interpreted as a disease-causing mutation.

Institute for Genomic Medicine (IGM) Clinical Laboratory, Nationwide Children's Hospital
Classification: Pathogenic for Neurofibromatosis, type 1. Last evaluated: 2025-06-13. Review status: criteria provided, single submitter. Criteria: ACMG Guidelines, 2015. Collection method: clinical testing. Allele origin: germline.
Comment: This variant is predicted to result in loss of function through nonsense-mediated decay of the encoded transcript or premature truncation of the encoded protein in a gene in which loss of function is a known mechanism of disease (ACMG/AMP: PVS1). This variant has been reported at an elevated frequency in affected individuals/in multiple affected individuals in the literature (ACMG/AMP: PS4_Moderate; PMIDs:9101300, 16944272, 31776437). This variant is absent from or present at an exceedingly low frequency in gnomAD, a large-scale control population database (ACMG/AMP: PM2).

Labcorp Genetics (formerly Invitae), Labcorp
Classification: Pathogenic for Neurofibromatosis, type 1. Last evaluated: 2024-08-04. Review status: criteria provided, single submitter. Criteria: Invitae Variant Classification Sherloc (09022015). Collection method: clinical testing. Allele origin: germline.
Comment: This sequence change creates a premature translational stop signal (p.Glu2174Aspfs*46) in the NF1 gene. It is expected to result in an absent or disrupted protein product. Loss-of-function variants in NF1 are known to be pathogenic (PMID: 10712197, 23913538). This variant is not present in population databases (gnomAD no frequency). This premature translational stop signal has been observed in individual(s) with neurofibromatosis type 1 (PMID: 9101300, 16944272). This variant is also known as c.6514_6523delGA. ClinVar contains an entry for this variant (Variation ID: 457797). For these reasons, this variant has been classified as Pathogenic.

Genome-Nilou Lab
Classification: Pathogenic for Neurofibromatosis, type 1. Last evaluated: 2022-03-15. Review status: criteria provided, single submitter. Criteria: ACMG Guidelines, 2015. Collection method: clinical testing. Allele origin: germline. Affected: no.

Quest Diagnostics Nichols Institute San Juan Capistrano
Classification: Pathogenic. Last evaluated: 2021-07-30. Review status: criteria provided, single submitter. Criteria: Quest Diagnostics criteria. Collection method: clinical testing. Allele origin: unknown.
Comment: This frameshift variant causes the premature termination of NF1 protein synthesis. In addition, it has been reported in individuals with Neurofibromatosis type 1 (NF1) or suspected NF1 in the published literature (PMIDs: 9101300 (1997) and 16944272 (2007))

Genome Diagnostics Laboratory, The Hospital for Sick Children
Classification: Pathogenic for Neurofibromatosis, type 1. Last evaluated: 2020-10-26. Review status: criteria provided, single submitter. Criteria: ACMG Guidelines, 2015. Collection method: clinical testing. Allele origin: germline. Affected: yes.

Literature cited by the submitters: PubMed 16944272 (cited by 4 submitters); PubMed 31573083 (cited by Ambry Genetics); PubMed 31776437 (cited by Ambry Genetics and Institute for Genomic Medicine (IGM) Clinical Laboratory, Nationwide Children's Hospital); PubMed 9101300 (cited by 4 submitters); PubMed 10712197 (cited by Labcorp Genetics (formerly Invitae), Labcorp); PubMed 23913538 (cited by Labcorp Genetics (formerly Invitae), Labcorp).